The following is an entry in ClinVar:

ClinVar aggregate classification (germline): Uncertain significance (1 of 4 stars; one submission).

Submission:

Ambry Genetics
Classification: Uncertain significance. Last evaluated: 2024-07-15. Review status: criteria provided, single submitter. Criteria: Ambry Variant Classification Scheme 2023. Collection method: clinical testing. Allele origin: germline.
Comment: The p.D598V variant (also known as c.1793A>T), located in coding exon 3 of the ALPK2 gene, results from an A to T substitution at nucleotide position 1793. The aspartic acid at codon 598 is replaced by valine, an amino acid with highly dissimilar properties. This amino acid position is conserved. In addition, this alteration is predicted to be tolerated by in silico analysis. Based on the available evidence, the clinical significance of this variant remains unclear.

NM_052947.4(ALPK2):c.1793A>T (p.Asp598Val)

Gene: ALPK2 (alpha kinase 2; minus strand). Cytogenetic location: 18q21.31.
Variant type: single nucleotide variant.
Coding change: c.1793A>T on transcript NM_052947.4 (MANE Select); coding-DNA position 1793, A replaced by T.
Protein change: p.Asp598Val; replaces aspartic acid 598 with valine.
Molecular consequence: missense variant.
Genome position (GRCh38, 1-based): chr18:58,578,983, T>A on the plus strand (A>T on the coding strand, the complement: ALPK2 is on the minus strand). VCF-style: chr18-58578983-T-A. GRCh37 (hg19) VCF-style: chr18-56246215-T-A.
Other names: short protein forms D598V.
Identifiers: ClinVar variation 3530781 (VCV003530781.1).